The following is an entry in ClinVar:

ClinVar aggregate classification (germline): Pathogenic (1 of 4 stars; one submission).

Conditions:
Curry-Hall syndrome (WAD). Also called: WEYERS ACRODENTAL DYSOSTOSIS. Identifiers: Orphanet 952, MedGen C0457013, MONDO:0008673, OMIM 193530.
Ellis-van Creveld syndrome (EVC). Also called: MESOECTODERMAL DYSPLASIA; EVC-Related Ellis-van Creveld Syndrome; EVC2-Related Ellis-van Creveld Syndrome; Chondroectodermal dysplasia. Identifiers: Orphanet 289, MedGen C0013903, MONDO:0009162, OMIM 225500.

Submission:

Labcorp Genetics (formerly Invitae), Labcorp
Classification: Pathogenic for Curry-Hall syndrome; Ellis-van Creveld syndrome. Last evaluated: 2022-05-03. Review status: criteria provided, single submitter. Criteria: Invitae Variant Classification Sherloc (09022015). Collection method: clinical testing. Allele origin: germline.
Comment: This variant is a gross deletion of the genomic region encompassing exon(s) 9-11 of the EVC gene. This variant would be expected to be in-frame, preserving the integrity of the reading frame. A similar copy number variant has been observed in individual(s) with Ellis-van Creveld syndrome (PMID: 26748586). In at least one individual the data is consistent with being in trans (on the opposite chromosome) from a pathogenic variant. The region of the EVC gene that includes exon(s) 10 has been determined to be clinically significant (PMID: 17024374, 26748586; Invitae). Therefore, deletions that encompass that region are likely to be disease-causing. For these reasons, this variant has been classified as Pathogenic.

Literature cited by the submitters: PubMed 26748586; PubMed 17024374.

NC_000004.11:g.(?_5754553)_(5758099_?)del

Gene: EVC (EvC ciliary complex subunit 1; plus strand). Cytogenetic location: 4p16.2.
Variant type: Deletion.
Identifiers: ClinVar variation 2427445 (VCV002427445.4).